The following is an entry in ClinVar:

NM_001004334.4(GPR179):c.3534C>G (p.Asp1178Glu)

Gene: GPR179 (G protein-coupled receptor 179; minus strand). Cytogenetic location: 17q12.
Variant type: single nucleotide variant.
Coding change: c.3534C>G on transcript NM_001004334.4 (MANE Select); coding-DNA position 3534, C replaced by G.
Protein change: p.Asp1178Glu; replaces aspartic acid 1178 with glutamic acid.
Molecular consequence: missense variant.
Genome position (GRCh38, 1-based): chr17:38,330,035, G>C on the plus strand (C>G on the coding strand, the complement: GPR179 is on the minus strand). VCF-style: chr17-38330035-G-C. GRCh37 (hg19) VCF-style: chr17-36485918-G-C.
Other names: short protein forms D1178E.
Identifiers: ClinVar variation 1959315 (VCV001959315.2), dbSNP rs769422252, ClinGen allele CA290105004.

ClinVar aggregate classification (germline): Uncertain significance (1 of 4 stars; one submission).

Allele frequency attached by ClinVar (database versions not stated): gnomAD 0.00001; gnomAD exomes 0.00001; ExAC 0.00001; TOPMed 0.00001.
gnomAD v4.1: 21 of 1,614,110 alleles (0.0013%); highest among the groups gnomAD compares: Non-Finnish European, 0.0016%; no homozygotes.

Submission:

Labcorp Genetics (formerly Invitae), Labcorp
Classification: Uncertain significance. Last evaluated: 2022-06-23. Review status: criteria provided, single submitter. Criteria: Invitae Variant Classification Sherloc (09022015). Collection method: clinical testing. Allele origin: germline.
Comment: This sequence change replaces aspartic acid, which is acidic and polar, with glutamic acid, which is acidic and polar, at codon 1178 of the GPR179 protein (p.Asp1178Glu). This variant is present in population databases (rs769422252, gnomAD 0.004%). This variant has not been reported in the literature in individuals affected with GPR179-related conditions. Algorithms developed to predict the effect of missense changes on protein structure and function (SIFT, PolyPhen-2, Align-GVGD) all suggest that this variant is likely to be tolerated. In summary, the available evidence is currently insufficient to determine the role of this variant in disease. Therefore, it has been classified as a Variant of Uncertain Significance.